The following is an entry in ClinVar:

ClinVar aggregate classification (germline): Conflicting classifications of pathogenicity. Review status: criteria provided, conflicting classifications (1 of 4 stars). 8 submissions from 8 submitters: Uncertain significance (2); Likely benign (4). 2 of the submissions do not count toward it. Last evaluated 2026-02-04.

Conditions:
ARSA-related disorder. Also called: ARSA-related condition.
Metachromatic leukodystrophy (MLD). Also called: Arylsulfatase A Deficiency; ARSA DEFICIENCY; CEREBROSIDE SULFATASE DEFICIENCY; Cerebral sclerosis diffuse metachromatic form; SULFATIDE LIPIDOSIS; METACHROMATIC LEUKOENCEPHALOPATHY. Identifiers: Orphanet 512, MedGen C0023522, MONDO:0018868, OMIM 250100.

Allele frequency attached by ClinVar (database versions not stated): 1000 Genomes Project 30x 0.00187; 1000 Genomes Project 0.00200; gnomAD 0.00228 and 0.00245; ESP Exome Variant Server 0.00239; TOPMed 0.00252.

Submissions (8):

Labcorp Genetics (formerly Invitae), Labcorp
Classification: Likely benign for Metachromatic leukodystrophy. Last evaluated: 2026-02-04. Review status: criteria provided, single submitter. Criteria: Invitae Variant Classification Sherloc (09022015). Collection method: clinical testing. Allele origin: germline.

Mayo Clinic Laboratories, Mayo Clinic
Classification: Likely benign. Last evaluated: 2025-01-13. Review status: criteria provided, single submitter. Criteria: ACMG Guidelines, 2015. Collection method: clinical testing. Allele origin: germline. Observed: 5 variant alleles.
Comment: BS1, BP4

Blueprint Genetics
Classification: Likely benign. Last evaluated: 2024-10-11. Review status: criteria provided, single submitter. Criteria: ACMG Guidelines, 2015. Collection method: clinical testing. Allele origin: germline.

Fulgent Genetics
Classification: Uncertain significance for Metachromatic leukodystrophy. Last evaluated: 2018-10-31. Review status: criteria provided, single submitter. Criteria: ACMG Guidelines, 2015. Collection method: clinical testing. Allele origin: unknown.

Illumina Laboratory Services, Illumina
Classification: Likely benign for Metachromatic leukodystrophy. Last evaluated: 2018-01-12. Review status: criteria provided, single submitter. Criteria: ICSL Variant Classification Criteria 13 December 2019. Collection method: clinical testing. Allele origin: germline.
Comment: This variant was observed in the ICSL laboratory as part of a predisposition screen in an ostensibly healthy population. It had not been previously curated by ICSL or reported in the Human Gene Mutation Database (HGMD: prior to June 1st, 2018), and was therefore a candidate for classification through an automated scoring system. Utilizing variant allele frequency, disease prevalence and penetrance estimates, and inheritance mode, an automated score was calculated to assess if this variant is too frequent to cause the disease. Based on the score and internal cut-off values, a variant classified as likely benign is not then subjected to further curation. The score for this variant resulted in a classification of likely benign for this disease.

Eurofins Ntd Llc (ga)
Classification: Uncertain significance. Last evaluated: 2015-05-22. Review status: criteria provided, single submitter. Criteria: EGL Classification Definitions 2015. Collection method: clinical testing. Allele origin: germline. Observed: 2 variant alleles, 2 heterozygotes.

PreventionGenetics, part of Exact Sciences
Classification: Benign for ARSA-related condition. Last evaluated: 2024-04-03. Review status: no assertion criteria provided. Collection method: clinical testing. Allele origin: germline. Not counted in ClinVar's aggregate classification.
Comment: This variant is classified as benign based on ACMG/AMP sequence variant interpretation guidelines (Richards et al. 2015 PMID: 25741868, with internal and published modifications).

Natera, Inc.
Classification: Benign for Metachromatic leukodystrophy. Last evaluated: 2019-11-11. Review status: no assertion criteria provided. Collection method: clinical testing. Allele origin: germline. Not counted in ClinVar's aggregate classification.

NM_000487.6(ARSA):c.1447G>A (p.Glu483Lys)

Gene: ARSA (arylsulfatase A; minus strand). Cytogenetic location: 22q13.33.
Variant type: single nucleotide variant.
Coding change: c.1447G>A on transcript NM_000487.6 (MANE Select); coding-DNA position 1447, G replaced by A.
Protein change: p.Glu483Lys; replaces glutamic acid 483 with lysine.
Molecular consequence: missense variant.
Genome position (GRCh38, 1-based): chr22:50,625,228, C>T on the plus strand (G>A on the coding strand, the complement: ARSA is on the minus strand). VCF-style: chr22-50625228-C-T. GRCh37 (hg19) VCF-style: chr22-51063656-C-T.
Other names: p.Glu483Lys; c.1447G>A, p.Glu483Lys (NM_001085425.3, NM_001085426.3, NM_001085427.3); c.1189G>A, p.Glu397Lys (NM_001085428.3, NM_001362782.2); short protein forms E483K, E397K.
Identifiers: ClinVar variation 198734 (VCV000198734.27), dbSNP rs148352371, ClinGen allele CA247540.